The following is an entry in ClinVar:

NM_138694.4(PKHD1):c.11770dup (p.Thr3924fs)

Gene: PKHD1 (PKHD1 ciliary IPT domain containing fibrocystin/polyductin; minus strand). Cytogenetic location: 6p12.3.
Variant type: Duplication.
Coding change: c.11770dup on transcript NM_138694.4 (MANE Select); coding-DNA position 11770, one base duplicated (A; older notation c.11770dupA).
Protein change: p.Thr3924fs; shifts the reading frame from threonine 3924.
Molecular consequence: frameshift variant.
Genome position (GRCh38, 1-based): chr6:51,627,012, T duplicated on the plus strand (A on the coding strand, the reverse complement: PKHD1 is on the minus strand). VCF-style (leftmost placement, unchanged base first): chr6-51627011-G-GT. GRCh37 (hg19) VCF-style: chr6-51491809-G-GT.
Other names: short protein forms T3924fs.
Identifiers: ClinVar variation 5004491 (VCV005004491.1).

ClinVar aggregate classification (germline): Pathogenic (1 of 4 stars; one submission).

Conditions:
Polycystic kidney disease 4 (PKD4). Also called: PKD3; POLYCYSTIC KIDNEY AND HEPATIC DISEASE 1; POLYCYSTIC KIDNEY DISEASE, INFANTILE, TYPE I; POLYCYSTIC KIDNEY DISEASE 4 WITH OR WITHOUT POLYCYSTIC LIVER DISEASE; Autosomal Recessive Polycystic Kidney Disease – PKHD1. Identifiers: MedGen C4540575, MONDO:0033004, OMIM 263200.

Submission:

Myriad Genetics, Inc.
Classification: Pathogenic for Polycystic kidney disease 4. Last evaluated: 2026-02-24. Review status: criteria provided, single submitter. Criteria: Myriad Autosomal Dominant, Autosomal Recessive and X-Linked Classification Criteria (2023). Collection method: clinical testing. Allele origin: unknown.
Comment: NM_138694.3(PKHD1):c.11770dupA(T3924Nfs*33) is a frameshift variant classified as pathogenic in the context of autosomal recessive polycystic kidney disease, PKHD1-related. T3924Nfs*33 has not been observed in cases with relevant disease. Relevant functional assessments of this variant are not available in the literature. T3924Nfs*33 has not been observed in referenced population frequency databases. In summary, NM_138694.3(PKHD1):c.11770dupA(T3924Nfs*33) is a frameshift variant in a gene where loss of function is a known mechanism of disease and is predicted to disrupt protein function. Please note: this variant was assessed in the context of healthy population screening.